The following is an entry in ClinVar:

NM_000455.5(STK11):c.1040C>T (p.Ala347Val)

Genes: STK11 (serine/threonine kinase 11; plus strand), LOC130062899 (ATAC-STARR-seq lymphoblastoid active region 13597; plus strand). Cytogenetic location: 19p13.3.
Variant type: single nucleotide variant.
Coding change: c.1040C>T on transcript NM_000455.5 (MANE Select); coding-DNA position 1040, C replaced by T.
Protein change: p.Ala347Val; replaces alanine 347 with valine.
Molecular consequence: missense variant.
Genome position (GRCh38, 1-based): chr19:1,223,104, C>T. VCF-style: chr19-1223104-C-T. GRCh37 (hg19) VCF-style: chr19-1223103-C-T.
Other names: short protein forms A347V.
Identifiers: ClinVar variation 578037 (VCV000578037.29), dbSNP rs587782058, ClinGen allele CA9039458.

ClinVar aggregate classification (germline): Conflicting classifications of pathogenicity. Review status: criteria provided, conflicting classifications (1 of 4 stars). 11 submissions from 11 submitters: Uncertain significance (7); Benign (1); Likely benign (2). 1 of the submissions does not count toward it. Last evaluated 2026-01-28.

Conditions:
Peutz-Jeghers syndrome (PJS). Also called: Peutz-Jeghers polyposis; Periorificial lentiginosis syndrome; POLYPOSIS, HAMARTOMATOUS INTESTINAL; POLYPS-AND-SPOTS SYNDROME. Identifiers: Orphanet 2869, MedGen C0031269, MeSH D010580, MONDO:0008280, OMIM 175200.
Hereditary cancer-predisposing syndrome. Also called: Hereditary neoplastic syndrome; Neoplastic Syndromes, Hereditary; Hereditary Cancer Syndrome; Tumor predisposition. Identifiers: Orphanet 140162, MedGen C0027672, MeSH D009386, MONDO:0015356.
Familial ovarian cancer. Identifiers: MedGen C5679802, MONDO:0016248.

Allele frequency attached by ClinVar (database versions not stated): gnomAD exomes 0.00001 and 0.00002; ExAC 0.00002.
gnomAD v4.1: 14 of 1,611,302 alleles (0.00087%); highest among the groups gnomAD compares: East Asian, 0.0045%; no homozygotes.

Submissions (11):

Labcorp Genetics (formerly Invitae), Labcorp
Classification: Benign for Peutz-Jeghers syndrome. Last evaluated: 2026-01-28. Review status: criteria provided, single submitter. Criteria: Invitae Variant Classification Sherloc (09022015). Collection method: clinical testing. Allele origin: germline.

Ambry Genetics
Classification: Likely benign for Hereditary cancer-predisposing syndrome. Last evaluated: 2025-07-08. Review status: criteria provided, single submitter. Criteria: Ambry Variant Classification Scheme 2023. Collection method: clinical testing. Allele origin: germline.

Color Diagnostics, LLC DBA Color Health
Classification: Uncertain significance for Hereditary cancer-predisposing syndrome. Last evaluated: 2025-06-23. Review status: criteria provided, single submitter. Criteria: ACMG Guidelines, 2015. Collection method: clinical testing. Allele origin: germline.
Comment: This missense variant replaces alanine with valine at codon 347 of the STK11 protein. Computational prediction suggests that this variant may not impact protein structure and function. To our knowledge, functional studies have not been reported for this variant. This variant has been reported in individuals affected with breast cancer in the literature, but has also been observed in control individuals (PMID: 26976419, 30287823, 32980694, 33471991). This variant has been identified in 4/243968 chromosomes in the general population by the Genome Aggregation Database (gnomAD). The available evidence is insufficient to determine the role of this variant in disease conclusively. Therefore, this variant is classified as a Variant of Uncertain Significance.

All of Us Research Program, National Institutes of Health
Classification: Uncertain significance for Peutz-Jeghers syndrome. Last evaluated: 2023-11-30. Review status: criteria provided, single submitter. Criteria: ACMG Guidelines, 2015. Collection method: clinical testing. Allele origin: germline. Inheritance: Autosomal dominant inheritance. Observed: 2 variant alleles, 2 heterozygotes.
Comment: This missense variant replaces alanine with valine at codon 347 of the STK11 protein. Computational prediction suggests that this variant may not impact protein structure and function (internally defined REVEL score threshold <= 0.5, PMID: 27666373). To our knowledge, functional studies have not been reported for this variant. This variant has been reported in individuals affected with breast cancer in the literature, but has also been observed in control individuals (PMID: 26976419, 30287823, 32980694, 33471991). This variant has been identified in 4/243968 chromosomes in the general population by the Genome Aggregation Database (gnomAD). The available evidence is insufficient to determine the role of this variant in disease conclusively. Therefore, this variant is classified as a Variant of Uncertain Significance.

This study involves interpretation of variants in research participants for the purpose of population health screening. Participant phenotype was not available at the time of variant classification. Additional details can be found in publication PMID: 35346344, PMCID: PMC8962531

Blueprint Genetics
Classification: Likely benign. Last evaluated: 2022-11-09. Review status: criteria provided, single submitter. Criteria: ACMG Guidelines, 2015. Collection method: clinical testing. Allele origin: germline.

GeneDx
Classification: Uncertain significance. Last evaluated: 2022-09-30. Review status: criteria provided, single submitter. Criteria: GeneDx Variant Classification Process June 2021. Collection method: clinical testing. Allele origin: germline. Affected: yes.
Comment: Not observed at significant frequency in large population cohorts (gnomAD); In silico analysis supports that this missense variant does not alter protein structure/function; Not observed among any breast cancer cases, but was observed among unaffected controls (Momozawa et al., 2018); Identified as a de novo variant in a patient with autism spectrum disorder evaluated by whole exome sequencing (Koire et al., 2021); This variant is associated with the following publications: (PMID: 25363768, 28900777, 30287823, 26319365, 27311873, 34011629)

Women's Health and Genetics/Laboratory Corporation of America, LabCorp
Classification: Uncertain significance. Last evaluated: 2022-03-14. Review status: criteria provided, single submitter. Criteria: LabCorp Variant Classification Summary - May 2015. Collection method: clinical testing. Allele origin: germline.
Comment: Variant summary: STK11 c.1040C>T (p.Ala347Val) results in a non-conservative amino acid change in the encoded protein sequence. Three of four in-silico tools predict a benign effect of the variant on protein function. The variant allele was found at a frequency of 1.6e-05 in 243968 control chromosomes (gnomAD). The available data on variant occurrences in the general population are insufficient to allow any conclusion about variant significance. c.1040C>T has been reported in the literature in an individual affected with breast cancer (Dorling_2021) but it was also reported in unaffected controls (Momozawa_2018, Dorling_2021). These reports do not provide unequivocal conclusions about association of the variant with Peutz-Jeghers Syndrome. To our knowledge, no experimental evidence demonstrating an impact on protein function has been reported. Five clinical diagnostic laboratories have submitted clinical-significance assessments for this variant to ClinVar after 2014 and all classified the variant as uncertain significance. Based on the evidence outlined above, the variant was classified as uncertain significance.

Sema4
Classification: Uncertain significance for Hereditary cancer-predisposing syndrome. Last evaluated: 2021-07-16. Review status: criteria provided, single submitter. Criteria: Sema4 Curation Guidelines. Collection method: curation. Allele origin: germline.
Comment: The STK11 c.1040C>T (p.A347V) variant has been reported in 2 individuals with sebaceous carcinoma and autistic spectrum disorder (ASD) (PMIDs 27311873, 25363768). It was also reported as a somatic variant in 2 individuals with leg BAVK (BRAF inhibitor-associated verrucous keratose) and squamous cell carcinoma (PMID 26319365), and at a frequency of 0.00009 in a large control cohort of 11,241 healthy women and 7,051 female breast cancer patients (PMID 30287823). This variant was observed in 4/243968 chromosomes in the broad cohorts of Genome Aggregation Database (PMID: 32461654). This variant has been reported in ClinVar (Variation ID 578037). In silico tools suggest the impact of the variant on protein function is benign, though these predictions have not been confirmed by functional studies. The overall evidence is insufficient to meet ACMG/AMP criteria for classifying it as benign or pathogenic. In summary, the clinical significance of this variant is currently uncertain.

Genome-Nilou Lab
Classification: Uncertain significance for Peutz-Jeghers syndrome. Last evaluated: 2021-07-15. Review status: criteria provided, single submitter. Criteria: ACMG Guidelines, 2015. Collection method: clinical testing. Allele origin: germline. Affected: no.

Mendelics
Classification: Uncertain significance for Peutz-Jeghers syndrome. Last evaluated: 2018-07-02. Review status: criteria provided, single submitter. Criteria: Mendelics Assertion Criteria 2017. Collection method: clinical testing. Allele origin: unknown.

Department of Pathology and Laboratory Medicine, Sinai Health System
Classification: Uncertain significance for Familial ovarian cancer. Review status: no assertion criteria provided. Collection method: clinical testing. Allele origin: unknown. Affected: yes. Observed: 1 variant allele. Study: The Canadian Open Genetics Repository (COGR). Not counted in ClinVar's aggregate classification.
Comment: The STK11 p.Ala347Val variant was not identified in the literature nor was it identified in the MutDB, LOVD 3.0, Zhejiang University Database, or Insight Hereditary Tumors databases. The variant was identified in dbSNP (ID: rs587782058) as "With Uncertain significance allele", ClinVar (classified as uncertain significance by Ambry Genetics, GeneDx and Invitae), and in Cosmic (1x in skin tissue), database. The variant was identified in control databases in 4 of 241680 chromosomes at a frequency of 0.00002 (Genome Aggregation Database Feb 27, 2017). The variant was observed in the following populations: Latino in 1 of 33376 chromosomes (freq: 0.00003), European in 3 of 109618 chromosomes (freq: 0.00003), while the variant was not observed in the African, Other, Ashkenazi Jewish, East Asian, Finnish, or South Asian populations. The p.Ala347 residue is not conserved in mammals and computational analyses (PolyPhen-2, SIFT, AlignGVGD, BLOSUM, MutationTaster) do not suggest a high likelihood of impact to the protein; however, this information is not predictive enough to rule out pathogenicity. The variant occurs outside of the splicing consensus sequence and in silico or computational prediction software programs (SpliceSiteFinder, MaxEntScan, NNSPLICE, GeneSplicer) do not predict a difference in splicing. In summary, based on the above information the clinical significance of this variant cannot be determined with certainty at this time. This variant is classified as a variant of uncertain significance.

Literature cited by the submitters: PubMed 26319365 (cited by Ambry Genetics and Sema4); PubMed 27311873 (cited by Ambry Genetics); PubMed 30287823 (cited by 5 submitters); PubMed 35264596 (cited by Ambry Genetics); PubMed 26976419 (cited by Color Diagnostics, LLC DBA Color Health and All of Us Research Program, National Institutes of Health); PubMed 32980694 (cited by Color Diagnostics, LLC DBA Color Health and All of Us Research Program, National Institutes of Health); PubMed 33471991 (cited by 3 submitters); PubMed 34011629 (cited by Women's Health and Genetics/Laboratory Corporation of America, LabCorp).